The following is an entry in ClinVar:

NM_005219.5(DIAPH1):c.49AAG[2] (p.Lys19del)

Gene: DIAPH1 (diaphanous related formin 1; minus strand). Cytogenetic location: 5q31.3.
Variant type: Microsatellite.
Coding change: c.49AAG[2] on transcript NM_005219.5 (MANE Select); two copies in a row of the 3-base unit AAG starting at c.49; the reference has three copies in a row; one copy, 3 bases deleted.
Protein change: p.Lys19del; deletes lysine 19.
Molecular consequence: inframe deletion.
Genome position (GRCh38, 1-based): chr5:141,618,858-141,618,860, CTT deleted on the plus strand (AAG on the coding strand, the reverse complement: DIAPH1 is on the minus strand); deleting any 3 consecutive bases within chr5:141,618,858-141,618,866 gives the same sequence; the position shown is the placement nearest the transcript's 3' end. VCF-style (leftmost placement, unchanged base first): chr5-141618857-CCTT-C. GRCh37 (hg19) VCF-style: chr5-140998424-CCTT-C.
Other names: c.49AAG[2], p.Lys19del (NM_001079812.3, NM_001314007.2); short protein forms K19del.
Identifiers: ClinVar variation 1994053 (VCV001994053.4), dbSNP rs1199493968, ClinGen allele CA563363829.

ClinVar aggregate classification (germline): Uncertain significance (1 of 4 stars; one submission).

Conditions:
Progressive microcephaly-seizures-cortical blindness-developmental delay syndrome. Also called: Seizures, cortical blindness, and microcephaly syndrome. Identifiers: Orphanet 477814, MedGen C5567650, MONDO:0014714, OMIM 616632.
Autosomal dominant nonsyndromic hearing loss 1. Also called: KONIGSMARK SYNDROME; DEAFNESS, AUTOSOMAL DOMINANT 1, WITH OR WITHOUT THROMBOCYTOPENIA. Identifiers: Orphanet 90635, MedGen C1852282, MONDO:0007424, OMIM 124900.

Submission:

Labcorp Genetics (formerly Invitae), Labcorp
Classification: Uncertain significance for Progressive microcephaly-seizures-cortical blindness-developmental delay syndrome; Autosomal dominant nonsyndromic hearing loss 1. Last evaluated: 2025-03-26. Review status: criteria provided, single submitter. Criteria: Invitae Variant Classification Sherloc (09022015). Collection method: clinical testing. Allele origin: germline.
Comment: This variant, c.55_57del, results in the deletion of 1 amino acid(s) of the DIAPH1 protein (p.Lys19del), but otherwise preserves the integrity of the reading frame. This variant is present in population databases (no rsID available, gnomAD 0.007%). This variant has not been reported in the literature in individuals affected with DIAPH1-related conditions. Experimental studies and prediction algorithms are not available or were not evaluated, and the functional significance of this variant is currently unknown. In summary, the available evidence is currently insufficient to determine the role of this variant in disease. Therefore, it has been classified as a Variant of Uncertain Significance.